The following is an entry in ClinVar:

NM_000719.7(CACNA1C):c.5097C>T (p.Ala1699=)

Genes: CACNA1C-AS1 (CACNA1C antisense RNA 1; minus strand), CACNA1C (calcium voltage-gated channel subunit alpha1 C; plus strand). Cytogenetic location: 12p13.33.
Variant type: single nucleotide variant.
Coding change: c.5097C>T on transcript NM_000719.7 (MANE Select); coding-DNA position 5097, C replaced by T.
Protein change: p.Ala1699=; no amino-acid change (alanine 1699 retained).
Molecular consequence: synonymous variant.
Genome position (GRCh38, 1-based): chr12:2,679,449, C>T. VCF-style: chr12-2679449-C-T. GRCh37 (hg19) VCF-style: chr12-2788615-C-T.
Other names: p.A1699A:GCC>GCT; p.Ala1699=; c.5241C>T, p.Ala1747= (NM_001129827.2, NM_199460.4); c.5220C>T, p.Ala1740= (NM_001129829.2); c.5097C>T, p.Ala1699= (NM_001129830.3, NM_001129840.2, NM_001129841.2 and 4 more transcripts); c.5181C>T, p.Ala1727= (NM_001129831.2); c.5157C>T, p.Ala1719= (NM_001129832.2); c.5154C>T, p.Ala1718= (NM_001129833.2, NM_001129834.2, NM_001129835.2); and 5 more.
Identifiers: ClinVar variation 93409 (VCV000093409.63), dbSNP rs113595214, ClinGen allele CA285370.

ClinVar aggregate classification (germline): Benign/Likely benign. Review status: criteria provided, multiple submitters, no conflicts (2 of 4 stars). 12 submissions from 12 submitters: Benign (10); Likely benign (1). 1 of the submissions does not count toward it. Last evaluated 2026-09-01.

Conditions:
Timothy syndrome (TS). Also called: LONG QT SYNDROME WITH SYNDACTYLY. Identifiers: Orphanet 65283, MedGen C1832916, MeSH C536962, MONDO:0010979, OMIM 601005.
Long QT syndrome 8. Identifiers: MedGen CN260585, MONDO:0032756, OMIM 618447.
Brugada syndrome 3 (BRGDA3). Identifiers: Orphanet 130, MedGen C2678478, MONDO:0012742, OMIM 611875.
Cardiovascular phenotype. Identifiers: MedGen CN230736.
Long QT syndrome (LQTS). Identifiers: MedGen C0023976, MeSH D008133, MONDO:0002442. Disease mechanism: loss of function. Inheritance: Various modes of inheritance.

Allele frequency attached by ClinVar (database versions not stated): 1000 Genomes Project 30x 0.00250; 1000 Genomes Project 0.00300; ESP Exome Variant Server 0.00547; TOPMed 0.00588; gnomAD 0.00684 and 0.00709; gnomAD exomes 0.00699 and 0.00809; ExAC 0.02201.
gnomAD v4.1: 12,428 of 1,556,730 alleles (0.8%); highest among the groups gnomAD compares: Middle Eastern, 2.3%; 65 homozygotes.

Submissions (12):

CeGaT Center for Human Genetics Tuebingen
Classification: Benign. Last evaluated: 2026-09-01. Review status: criteria provided, single submitter. Criteria: CeGaT Center For Human Genetics Tuebingen Variant Classification Criteria Version 2. Collection method: clinical testing. Allele origin: germline. Affected: yes. Observed: 106 variant alleles.
Comment: CACNA1C: BP4, BP7, BS1, BS2

Molecular Diagnostic Laboratory for Inherited Cardiovascular Disease, Montreal Heart Institute
Classification: Benign. Last evaluated: 2026-03-27. Review status: criteria provided, single submitter. Criteria: ACMG Guidelines, 2015. Collection method: clinical testing. Allele origin: germline. Affected: no.

Labcorp Genetics (formerly Invitae), Labcorp
Classification: Benign for Long QT syndrome. Last evaluated: 2026-02-04. Review status: criteria provided, single submitter. Criteria: Invitae Variant Classification Sherloc (09022015). Collection method: clinical testing. Allele origin: germline.

ARUP Laboratories, Molecular Genetics and Genomics, ARUP Laboratories
Classification: Benign. Last evaluated: 2025-07-17. Review status: criteria provided, single submitter. Criteria: ARUP Molecular Germline Variant Investigation Process 2024. Collection method: clinical testing. Allele origin: germline.

Blueprint Genetics
Classification: Likely benign. Last evaluated: 2024-11-25. Review status: criteria provided, single submitter. Criteria: ACMG Guidelines, 2015. Collection method: clinical testing. Allele origin: germline.

Mayo Clinic Laboratories, Mayo Clinic
Classification: Benign. Last evaluated: 2024-06-25. Review status: criteria provided, single submitter. Criteria: ACMG Guidelines, 2015. Collection method: clinical testing. Allele origin: germline. Observed: 22 variant alleles.
Comment: BS1, BS2, BP4, BP7

Fulgent Genetics
Classification: Benign for Timothy syndrome; Brugada syndrome 3; Long QT syndrome 8. Last evaluated: 2021-07-26. Review status: criteria provided, single submitter. Criteria: ACMG Guidelines, 2015. Collection method: clinical testing. Allele origin: unknown.

Ambry Genetics
Classification: Benign for Cardiovascular phenotype. Last evaluated: 2016-05-18. Review status: criteria provided, single submitter. Criteria: Ambry Variant Classification Scheme 2023. Collection method: clinical testing. Allele origin: germline.

Eurofins Ntd Llc (ga)
Classification: Benign. Last evaluated: 2012-12-17. Review status: criteria provided, single submitter. Criteria: EGL Classification Definitions 2015. Collection method: clinical testing. Allele origin: germline. Observed: 7 variant alleles, 7 heterozygotes.

GeneDx
Classification: Benign. Last evaluated: 2011-07-10. Review status: criteria provided, single submitter. Criteria: GeneDx Variant Classification (06012015). Collection method: clinical testing. Allele origin: germline. Affected: yes.
Comment: This variant is considered likely benign or benign based on one or more of the following criteria: it is a conservative change, it occurs at a poorly conserved position in the protein, it is predicted to be benign by multiple in silico algorithms, and/or has population frequency not consistent with disease.

Breakthrough Genomics
Classification: Benign. Review status: criteria provided, single submitter. Criteria: ACMG Guidelines, 2015. Collection method: not provided. Allele origin: germline. Inheritance: Autosomal dominant inheritance. Affected: yes.

Joint Genome Diagnostic Labs from Nijmegen and Maastricht, Radboudumc and MUMC+
Classification: Benign. Review status: no assertion criteria provided. Collection method: clinical testing. Allele origin: germline. Affected: yes. Study: VKGL Data-share Consensus. Not counted in ClinVar's aggregate classification.